The following is an entry in ClinVar:

ClinVar aggregate classification (germline): Uncertain significance (1 of 4 stars; one submission).

Conditions:
Hereditary cancer-predisposing syndrome. Also called: Neoplastic Syndromes, Hereditary; Tumor predisposition; Hereditary Cancer Syndrome; Hereditary neoplastic syndrome. Identifiers: Orphanet 140162, MedGen C0027672, MeSH D009386, MONDO:0015356.

Submission:

Ambry Genetics
Classification: Uncertain significance for Hereditary cancer-predisposing syndrome. Last evaluated: 2026-03-14. Review status: criteria provided, single submitter. Criteria: Ambry Variant Classification Scheme 2023. Collection method: clinical testing. Allele origin: germline.
Comment: The p.I235M variant (also known as c.705C>G), located in coding exon 6 of the SDHA gene, results from a C to G substitution at nucleotide position 705. The isoleucine at codon 235 is replaced by methionine, an amino acid with highly similar properties. This amino acid position is conserved. In addition, the in silico prediction for this alteration is inconclusive. Based on the available evidence, the clinical significance of this variant remains unclear.

NM_004168.4(SDHA):c.705C>G (p.Ile235Met)

Gene: SDHA (succinate dehydrogenase complex flavoprotein subunit A; plus strand). Cytogenetic location: 5p15.33.
Variant type: single nucleotide variant.
Coding change: c.705C>G on transcript NM_004168.4 (MANE Select); coding-DNA position 705, C replaced by G.
Protein change: p.Ile235Met; replaces isoleucine 235 with methionine.
Molecular consequence: missense variant.
Genome position (GRCh38, 1-based): chr5:228,268, C>G. VCF-style: chr5-228268-C-G. GRCh37 (hg19) VCF-style: chr5-228383-C-G.
Other names: c.561C>G, p.Ile187Met (NM_001294332.2); c.705C>G, p.Ile235Met (NM_001330758.2); short protein forms I187M, I235M.
Identifiers: ClinVar variation 4827316 (VCV004827316.1).